The following is an entry in ClinVar:

NM_000238.4(KCNH2):c.1363G>A (p.Val455Met)

Gene: KCNH2 (potassium voltage-gated channel subfamily H member 2; minus strand). Cytogenetic location: 7q36.1.
Variant type: single nucleotide variant.
Coding change: c.1363G>A on transcript NM_000238.4 (MANE Select); coding-DNA position 1363, G replaced by A.
Protein change: p.Val455Met; replaces valine 455 with methionine.
Molecular consequence: missense variant. On other transcripts: non-coding transcript variant (2).
Genome position (GRCh38, 1-based): chr7:150,952,619, C>T on the plus strand (G>A on the coding strand, the complement: KCNH2 is on the minus strand). VCF-style: chr7-150952619-C-T. GRCh37 (hg19) VCF-style: chr7-150649707-C-T.
Other names: c.343G>A, p.Val115Met (NM_001204798.2, NM_172057.3); c.1075G>A, p.Val359Met (NM_001406753.1, NM_001406756.1); c.1186G>A, p.Val396Met (NM_001406755.1); c.1063G>A, p.Val355Met (NM_001406757.1); c.1363G>A, p.Val455Met (NM_172056.3); short protein forms V115M, V355M, V359M, V396M, V455M.
Identifiers: ClinVar variation 4536582 (VCV004536582.1).
Genomic context (GRCh38, chr7:150,952,619, plus strand): 5'-AGGTGGTGCGGAAGTTGATGAGGATGTCCACAATGAACATGATGTCCACGATGAGGTCCA[C>T]CACAGCCAGCGGCTGGCAGGCGTAGCCACACTCGGTAGCAGGCGGGCCTTCTTCCGTCTC-3'
Protein context (NP_000229.1, residues 445-465): CGYACQPLAV[Val455Met]DLIVDIMFIV

ClinVar aggregate classification (germline): Uncertain significance (1 of 4 stars; one submission).

gnomAD v4.1: 1 of 1,614,190 alleles (0.000062%); highest among the groups gnomAD compares: Non-Finnish European, 0.000085%; no homozygotes.

Submission:

GeneDx
Classification: Uncertain significance. Last evaluated: 2025-06-04. Review status: criteria provided, single submitter. Criteria: GeneDx Variant Classification Process June 2021. Collection method: clinical testing. Allele origin: germline. Affected: yes.
Comment: Not observed at significant frequency in large population cohorts (gnomAD); In silico analysis supports that this missense variant has a deleterious effect on protein structure/function; Has not been previously published as pathogenic or benign to our knowledge